The following is an entry in ClinVar:

ClinVar aggregate classification (germline): Uncertain significance. Review status: criteria provided, multiple submitters, no conflicts (2 of 4 stars). 2 submissions from 2 submitters: Uncertain significance (2). Last evaluated 2024-02-19.

Conditions:
Werner syndrome (WRN). Identifiers: Orphanet 902, MedGen C0043119, MONDO:0010196, OMIM 277700.

Allele frequency attached by ClinVar (database versions not stated): TOPMed 0.00011.

Submissions (2):

Labcorp Genetics (formerly Invitae), Labcorp
Classification: Uncertain significance for Werner syndrome. Last evaluated: 2024-02-19. Review status: criteria provided, single submitter. Criteria: Invitae Variant Classification Sherloc (09022015). Collection method: clinical testing. Allele origin: germline.
Comment: This sequence change replaces leucine, which is neutral and non-polar, with proline, which is neutral and non-polar, at codon 292 of the WRN protein (p.Leu292Pro). This variant is not present in population databases (gnomAD no frequency). This variant has not been reported in the literature in individuals affected with WRN-related conditions. ClinVar contains an entry for this variant (Variation ID: 841340). An algorithm developed to predict the effect of missense changes on protein structure and function (PolyPhen-2) suggests that this variant is likely to be disruptive. In summary, the available evidence is currently insufficient to determine the role of this variant in disease. Therefore, it has been classified as a Variant of Uncertain Significance.

Genetic Services Laboratory, University of Chicago
Classification: Uncertain significance. Last evaluated: 2023-08-08. Review status: criteria provided, single submitter. Criteria: ACMG Guidelines, 2015. Collection method: clinical testing. Allele origin: germline. Affected: no.
Comment: DNA sequence analysis of the WRN gene demonstrated a sequence change, c.875T>C, in exon 9 that results in an amino acid change, p.Leu292Pro. This sequence change does not appear to have been previously described in individuals with WRN-related disorders and has also not been described in population databases such as ExAC and gnomAD. The p.Leu292Pro change affects a moderately conserved amino acid residue located in a domain of the WRN protein that is not known to be functional. In-silico pathogenicity prediction tools (SIFT, PolyPhen2, Align GVGD, REVEL) provide contradictory results for the p.Leu292Pro substitution. Due to insufficient evidences and the lack of functional studies, the clinical significance of the p.Leu292Pro change remains unknown at this time.

NM_000553.6(WRN):c.875T>C (p.Leu292Pro)

Gene: WRN (WRN RecQ like helicase; plus strand). Cytogenetic location: 8p12.
Variant type: single nucleotide variant.
Coding change: c.875T>C on transcript NM_000553.6 (MANE Select); coding-DNA position 875, T replaced by C.
Protein change: p.Leu292Pro; replaces leucine 292 with proline.
Molecular consequence: missense variant.
Genome position (GRCh38, 1-based): chr8:31,080,902, T>C. VCF-style: chr8-31080902-T-C. GRCh37 (hg19) VCF-style: chr8-30938418-T-C.
Other names: c.875T>C (NM_000553.5); short protein forms L292P.
Identifiers: ClinVar variation 841340 (VCV000841340.8), dbSNP rs1462123320, ClinGen allele CA370919713.
Genomic context (GRCh38, chr8:31,080,902, plus strand): 5'-TAATCTTTCTTAATTTTTTTTTTAGGGTTTCTATCTTACTAAAGGATATTTCAGAAAATC[T>C]ATATTCACTGAGGAGGATGATAATTGGGTCTACTAACATTGAGACTGAACTGAGGCCCAG-3'
Protein context (NP_000544.2, residues 282-302): SILLKDISEN[Leu292Pro]YSLRRMIIGS